The following is an entry in ClinVar:

ClinVar aggregate classification (germline): Uncertain significance. Review status: criteria provided, multiple submitters, no conflicts (2 of 4 stars). 4 submissions from 4 submitters: Uncertain significance (3). 1 of the submissions does not count toward it. Last evaluated 2024-05-25.

Conditions:
IFT172-related disorder. Also called: IFT172-related condition; IFT172-related disorders.
Bardet-Biedl syndrome 20. Identifiers: MedGen C4310707, MONDO:0023670, OMIM 619471, MONDO:0014926.
Retinitis pigmentosa 71 (RP71). Identifiers: Orphanet 791, MedGen C4225342, MONDO:0014618, OMIM 616394.
Short-rib thoracic dysplasia 10 with or without polydactyly (SRTD10). Identifiers: Orphanet 474, MedGen C3810175, MONDO:0014284, OMIM 615630.

Allele frequency attached by ClinVar (database versions not stated): ExAC 0.00001; TOPMed 0.00002; gnomAD 0.00002; ESP Exome Variant Server 0.00008; gnomAD exomes 0.00001.
gnomAD v4.1: 86 of 1,610,640 alleles (0.0053%); highest among the groups gnomAD compares: Non-Finnish European, 0.0065%; no homozygotes.

Submissions (4):

Fulgent Genetics
Classification: Uncertain significance for Short-rib thoracic dysplasia 10 with or without polydactyly; Retinitis pigmentosa 71; Bardet-Biedl syndrome 20. Last evaluated: 2024-05-25. Review status: criteria provided, single submitter. Criteria: ACMG Guidelines, 2015. Collection method: clinical testing. Allele origin: germline.

Blueprint Genetics
Classification: Uncertain significance. Last evaluated: 2024-03-05. Review status: criteria provided, single submitter. Criteria: ACMG Guidelines, 2015. Collection method: clinical testing. Allele origin: germline.

Labcorp Genetics (formerly Invitae), Labcorp
Classification: Uncertain significance for Retinitis pigmentosa 71; Short-rib thoracic dysplasia 10 with or without polydactyly. Last evaluated: 2022-04-25. Review status: criteria provided, single submitter. Criteria: Invitae Variant Classification Sherloc (09022015). Collection method: clinical testing. Allele origin: germline.
Comment: This sequence change replaces glycine, which is neutral and non-polar, with arginine, which is basic and polar, at codon 1690 of the IFT172 protein (p.Gly1690Arg). This variant also falls at the last nucleotide of exon 46, which is part of the consensus splice site for this exon. This variant is present in population databases (rs200049734, gnomAD 0.004%). This variant has not been reported in the literature in individuals affected with IFT172-related conditions. ClinVar contains an entry for this variant (Variation ID: 1002877). Algorithms developed to predict the effect of missense changes on protein structure and function are either unavailable or do not agree on the potential impact of this missense change (SIFT: "Deleterious"; PolyPhen-2: "Probably Damaging"; Align-GVGD: "Class C0"). Variants that disrupt the consensus splice site are a relatively common cause of aberrant splicing (PMID: 17576681, 9536098). Algorithms developed to predict the effect of sequence changes on RNA splicing suggest that this variant may disrupt the consensus splice site. In summary, the available evidence is currently insufficient to determine the role of this variant in disease. Therefore, it has been classified as a Variant of Uncertain Significance.

PreventionGenetics, part of Exact Sciences
Classification: Uncertain significance for IFT172-related condition. Last evaluated: 2024-09-06. Review status: no assertion criteria provided. Collection method: clinical testing. Allele origin: germline. Not counted in ClinVar's aggregate classification.
Comment: The IFT172 c.5068G>C variant is predicted to result in the amino acid substitution p.Gly1690Arg. This nucleotide change is located at the last base of exon 46 and is predicted to significantly weaken the nearby normal splice donor site signal (Alamut Visual Plus v1.6.1; SpliceAI, Jaganathan et al. 2019. PubMed ID: 30661751). However, the use of computer prediction programs is not equivalent to functional evidence. This variant along with a pathogenic variant in this gene was reported in an individual with Bardet–Biedl syndrome (Table 2, Meyer et al. 2022. PubMed ID: 35112343). This variant is reported in 0.0027% of alleles in individuals of European (Non-Finnish) descent in gnomAD. Although we suspect that this variant could be pathogenic, at this time, the clinical significance of this variant is uncertain due to the absence of conclusive functional and genetic evidence.

Literature cited by the submitters: PubMed 17576681 (cited by Labcorp Genetics (formerly Invitae), Labcorp); PubMed 9536098 (cited by Labcorp Genetics (formerly Invitae), Labcorp).

NM_015662.3(IFT172):c.5068G>C (p.Gly1690Arg)

Genes: IFT172 (intraflagellar transport 172; minus strand), KRTCAP3 (keratinocyte associated protein 3; plus strand). Cytogenetic location: 2p23.3.
Variant type: single nucleotide variant.
Coding change: c.5068G>C on transcript NM_015662.3 (MANE Select); coding-DNA position 5068, G replaced by C.
Protein change: p.Gly1690Arg; replaces glycine 1690 with arginine.
Molecular consequence: missense variant. On other transcripts: intron variant (1).
Genome position (GRCh38, 1-based): chr2:27,445,296, C>G on the plus strand (G>C on the coding strand, the complement: IFT172 is on the minus strand). VCF-style: chr2-27445296-C-G. GRCh37 (hg19) VCF-style: chr2-27668163-C-G.
Other names: c.5002G>C, p.Gly1668Arg (NM_001410739.1); c.*6-1005C>G (NM_001168364.2); short protein forms G1690R, G1668R.
Identifiers: ClinVar variation 1002877 (VCV001002877.11), dbSNP rs200049734, ClinGen allele CA1579379.
Genomic context (GRCh38, chr2:27,445,296, plus strand): 5'-TTTATTGATCCTGCTGCTTTCTACCCACCACAGGATCTGGGGTGCTGTAGGCTTCTATAC[C>G]TGTAATAAGGCAGGGCAGGGCTCGAACACCAGTGCTCGCTGCCACTAGGGAGGCCTCGTA-3'
Protein context (NP_056477.1, residues 1680-1700): GVRALPCLIT[Gly1690Arg]YPILRNKIEF